The following is an entry in ClinVar:

ClinVar aggregate classification (germline): Pathogenic. Review status: criteria provided, multiple submitters, no conflicts (2 of 4 stars). 3 submissions from 3 submitters: Pathogenic (3). Last evaluated 2025-04-10.

Conditions:
Hereditary nonpolyposis colorectal neoplasms. Identifiers: MedGen C0009405, MeSH D003123.
Lynch syndrome 5 (LYNCH5). Also called: Hereditary non-polyposis colorectal cancer, type 5; Colorectal cancer, hereditary nonpolyposis, type 5. Identifiers: Orphanet 144, MedGen C1833477, MONDO:0013710, OMIM 614350. Disease mechanism: loss of function.
Hereditary cancer-predisposing syndrome. Also called: Tumor predisposition; Hereditary neoplastic syndrome; Neoplastic Syndromes, Hereditary; Hereditary Cancer Syndrome. Identifiers: Orphanet 140162, MedGen C0027672, MeSH D009386, MONDO:0015356.

Submissions (3):

Labcorp Genetics (formerly Invitae), Labcorp
Classification: Pathogenic for Hereditary nonpolyposis colorectal neoplasms. Last evaluated: 2025-04-10. Review status: criteria provided, single submitter. Criteria: Invitae Variant Classification Sherloc (09022015). Collection method: clinical testing. Allele origin: germline.
Comment: This sequence change creates a premature translational stop signal (p.Trp456*) in the MSH6 gene. It is expected to result in an absent or disrupted protein product. Loss-of-function variants in MSH6 are known to be pathogenic (PMID: 18269114, 24362816). This variant is not present in population databases (gnomAD no frequency). This variant has not been reported in the literature in individuals affected with MSH6-related conditions. ClinVar contains an entry for this variant (Variation ID: 819019). For these reasons, this variant has been classified as Pathogenic.

Ambry Genetics
Classification: Pathogenic for Hereditary cancer-predisposing syndrome. Last evaluated: 2024-10-11. Review status: criteria provided, single submitter. Criteria: Ambry Variant Classification Scheme 2023. Collection method: clinical testing. Allele origin: germline.
Comment: The p.W456* pathogenic mutation (also known as c.1368G>A), located in coding exon 4 of the MSH6 gene, results from a G to A substitution at nucleotide position 1368. This changes the amino acid from a tryptophan to a stop codon within coding exon 4. A similar mutation which causes the same protein truncation, c.1367G>A (p.W456*), has been reported in two unrelated endometrial cancer patients, including one who had a synchronous ovarian cancer diagnosis (Egoavil C et al. PLoS ONE, 2013 Nov;8:e79737). This alteration is expected to result in loss of function by premature protein truncation or nonsense-mediated mRNA decay. As such, this alteration is interpreted as a disease-causing mutation.

Myriad Genetics, Inc.
Classification: Pathogenic for Lynch syndrome 5. Last evaluated: 2023-08-14. Review status: criteria provided, single submitter. Criteria: Myriad Autosomal Dominant, Autosomal Recessive and X-Linked Classification Criteria (2023). Collection method: clinical testing. Allele origin: unknown.
Comment: This variant is considered pathogenic. This variant creates a termination codon and is predicted to result in premature protein truncation.

Literature cited by the submitters: PubMed 18269114 (cited by Labcorp Genetics (formerly Invitae), Labcorp); PubMed 24362816 (cited by Labcorp Genetics (formerly Invitae), Labcorp); PubMed 24244552 (cited by Ambry Genetics).

NM_000179.3(MSH6):c.1368G>A (p.Trp456Ter)

Gene: MSH6 (mutS homolog 6; plus strand). Cytogenetic location: 2p16.3.
Variant type: single nucleotide variant.
Coding change: c.1368G>A on transcript NM_000179.3 (MANE Select); coding-DNA position 1368, G replaced by A.
Protein change: p.Trp456Ter; replaces tryptophan 456 with a stop codon.
Molecular consequence: nonsense.
Genome position (GRCh38, 1-based): chr2:47,799,351, G>A. VCF-style: chr2-47799351-G-A. GRCh37 (hg19) VCF-style: chr2-48026490-G-A.
Other names: c.978G>A, p.Trp326Ter (NM_001281492.2); c.462G>A, p.Trp154Ter (NM_001281493.2, NM_001281494.2); short protein forms W326*, W456*, W154*.
Identifiers: ClinVar variation 819019 (VCV000819019.16), dbSNP rs1572722737, ClinGen allele CA346744881.